The following is an entry in ClinVar:

NM_015450.3(POT1):c.1282A>T (p.Asn428Tyr)

Gene: POT1 (protection of telomeres 1; minus strand). Cytogenetic location: 7q31.33.
Variant type: single nucleotide variant.
Coding change: c.1282A>T on transcript NM_015450.3 (MANE Select); coding-DNA position 1282, A replaced by T.
Protein change: p.Asn428Tyr; replaces asparagine 428 with tyrosine.
Molecular consequence: missense variant. On other transcripts: non-coding transcript variant (3).
Genome position (GRCh38, 1-based): chr7:124,841,060, T>A on the plus strand (A>T on the coding strand, the complement: POT1 is on the minus strand). VCF-style: chr7-124841060-T-A. GRCh37 (hg19) VCF-style: chr7-124481114-T-A.
Other names: c.889A>T, p.Asn297Tyr (NM_001042594.2); short protein forms N297Y, N428Y.
Identifiers: ClinVar variation 1949932 (VCV001949932.5), dbSNP rs2485394687, ClinGen allele CA369067150.
Genomic context (GRCh38, chr7:124,841,060, plus strand): 5'-AAAGCGGGAGAATACCATTATTTTTCACAAAATGAACTGCTACTTTTCGTCCTTTTTGAT[T>A]TTTAGTGGTCCAGATTTTTGAATCATATAATGATGTATTTTGTAGCTTGACATCTGGGGT-3'
Protein context (NP_056265.2, residues 418-438): LYDSKIWTTK[Asn428Tyr]QKGRKVAVHF

ClinVar aggregate classification (germline): Uncertain significance (1 of 4 stars; one submission).

Conditions:
Tumor predisposition syndrome 3 (TPDS3). Also called: LONG TELOMERE SYNDROME, POT1-RELATED; POT1 Tumor Predisposition; Melanoma, cutaneous malignant, susceptibility to, 10; Glioma susceptibility 9. Identifiers: Orphanet 618, MedGen C4014476, MONDO:0014368, OMIM 615848.

Submission:

Labcorp Genetics (formerly Invitae), Labcorp
Classification: Uncertain significance for Tumor predisposition syndrome 3. Last evaluated: 2022-07-04. Review status: criteria provided, single submitter. Criteria: Invitae Variant Classification Sherloc (09022015). Collection method: clinical testing. Allele origin: germline.
Comment: Algorithms developed to predict the effect of missense changes on protein structure and function (SIFT, PolyPhen-2, Align-GVGD) all suggest that this variant is likely to be tolerated. This variant has not been reported in the literature in individuals affected with POT1-related conditions. This variant is not present in population databases (gnomAD no frequency). This sequence change replaces asparagine, which is neutral and polar, with tyrosine, which is neutral and polar, at codon 428 of the POT1 protein (p.Asn428Tyr). In summary, the available evidence is currently insufficient to determine the role of this variant in disease. Therefore, it has been classified as a Variant of Uncertain Significance.